The following is an entry in ClinVar:

NM_003000.3(SDHB):c.520A>G (p.Ile174Val)

Gene: SDHB (succinate dehydrogenase complex iron sulfur subunit B; minus strand). Cytogenetic location: 1p36.13.
Variant type: single nucleotide variant.
Coding change: c.520A>G on transcript NM_003000.3 (MANE Select); coding-DNA position 520, A replaced by G.
Protein change: p.Ile174Val; replaces isoleucine 174 with valine.
Molecular consequence: missense variant.
Genome position (GRCh38, 1-based): chr1:17,027,769, T>C on the plus strand (A>G on the coding strand, the complement: SDHB is on the minus strand). VCF-style: chr1-17027769-T-C. GRCh37 (hg19) VCF-style: chr1-17354264-T-C.
Other names: short protein forms I174V.
Identifiers: ClinVar variation 659326 (VCV000659326.13), dbSNP rs969943651, ClinGen allele CA18665905.

ClinVar aggregate classification (germline): Uncertain significance. Review status: criteria provided, multiple submitters, no conflicts (2 of 4 stars). 3 submissions from 3 submitters: Uncertain significance (3). Last evaluated 2025-12-06.

Conditions:
Pheochromocytoma/paraganglioma syndrome 4. Also called: SDHB-Related Hereditary Paraganglioma-Pheochromocytoma Syndrome (Paragangliomas 4); SDHB-Related Hereditary Paraganglioma-Pheochromocytoma Syndrome; CAROTID BODY TUMORS AND MULTIPLE EXTRAADRENAL PHEOCHROMOCYTOMAS; PARAGANGLIOMA, FAMILIAL MALIGNANT; PARAGANGLIOMAS, HEREDITARY EXTRAADRENAL; PHEOCHROMOCYTOMA, FAMILIAL EXTRAADRENAL. Identifiers: Orphanet 29072, MedGen C1861848, MONDO:0007273, OMIM 115310.
Pheochromocytoma. Also called: MAX-Related Hereditary Paraganglioma-Pheochromocytoma Syndrome. Identifiers: Orphanet 29072, MedGen C0031511, MONDO:0008233, OMIM 171300, HP:0002666.
Gastrointestinal stromal tumor. Also called: Gastrointestinal stromal tumor, somatic; Gastrointestinal stroma tumor. Identifiers: Orphanet 44890, MedGen C0238198, MeSH D046152, MONDO:0011719, OMIM 606764, HP:0100723.
Hereditary cancer-predisposing syndrome. Also called: Neoplastic Syndromes, Hereditary; Tumor predisposition; Hereditary Cancer Syndrome; Hereditary neoplastic syndrome. Identifiers: Orphanet 140162, MedGen C0027672, MeSH D009386, MONDO:0015356.

Allele frequency attached by ClinVar (database versions not stated): TOPMed below 0.00001; gnomAD exomes 0.00001.
gnomAD v4.1: 9 of 1,602,392 alleles (0.00056%); highest among the groups gnomAD compares: South Asian, 0.0011%; no homozygotes.

Submissions (3):

Labcorp Genetics (formerly Invitae), Labcorp
Classification: Uncertain significance for Gastrointestinal stromal tumor; Pheochromocytoma/paraganglioma syndrome 4; Pheochromocytoma. Last evaluated: 2025-12-06. Review status: criteria provided, single submitter. Criteria: Invitae Variant Classification Sherloc (09022015). Collection method: clinical testing. Allele origin: germline.
Comment: This sequence change replaces isoleucine, which is neutral and non-polar, with valine, which is neutral and non-polar, at codon 174 of the SDHB protein (p.Ile174Val). This variant is present in population databases (no rsID available, gnomAD 0.0009%). This variant has not been reported in the literature in individuals affected with SDHB-related conditions. ClinVar contains an entry for this variant (Variation ID: 659326). Invitae Evidence Modeling of protein sequence and biophysical properties (such as structural, functional, and spatial information, amino acid conservation, physicochemical variation, residue mobility, and thermodynamic stability) indicates that this missense variant is not expected to disrupt SDHB protein function with a negative predictive value of 80%. In summary, the available evidence is currently insufficient to determine the role of this variant in disease. Therefore, it has been classified as a Variant of Uncertain Significance.

Ambry Genetics
Classification: Uncertain significance for Hereditary cancer-predisposing syndrome. Last evaluated: 2024-10-23. Review status: criteria provided, single submitter. Criteria: Ambry Variant Classification Scheme 2023. Collection method: clinical testing. Allele origin: germline.
Comment: The p.I174V variant (also known as c.520A>G), located in coding exon 5 of the SDHB gene, results from an A to G substitution at nucleotide position 520. The isoleucine at codon 174 is replaced by valine, an amino acid with highly similar properties. This amino acid position is not well conserved in available vertebrate species. In addition, this alteration is predicted to be tolerated by in silico analysis. Since supporting evidence is limited at this time, the clinical significance of this alteration remains unclear.

GeneDx
Classification: Uncertain significance. Last evaluated: 2021-10-05. Review status: criteria provided, single submitter. Criteria: GeneDx Variant Classification Process June 2021. Collection method: clinical testing. Allele origin: germline. Affected: yes.
Comment: Not observed at significant frequency in large population cohorts (Lek et al., 2016); In silico analysis supports that this missense variant does not alter protein structure/function; In-silico analysis, which includes splice predictors and evolutionary conservation, is inconclusive as to whether the variant alters gene splicing. In the absence of RNA/functional studies, the actual effect of this sequence change is unknown.; Has not been previously published as pathogenic or benign to our knowledge